The following is an entry in ClinVar:

ClinVar aggregate classification (germline): Likely benign. Review status: reviewed by expert panel (3 of 4 stars). 3 submissions from 3 submitters: Likely benign (1). 2 of the submissions do not count toward it. Last evaluated 2024-09-18.

Conditions:
Inborn genetic diseases. Identifiers: MedGen C0950123, MeSH D030342.
Hereditary thrombocytopenia and hematologic cancer predisposition syndrome. Identifiers: Orphanet 71290, MedGen CN281654, MONDO:0011071.
Hereditary thrombocytopenia and hematological cancer predisposition syndrome associated with RUNX1. Also called: Familial Platelet Disorder with Propensity to Acute Myelogenous Leukemia; Familial thrombocytopenia with propensity to acute myelogenous leukemia; PLATELET DISORDER, ASPIRIN-LIKE; RUNX1 Familial Platelet Disorder with Associated Myeloid Malignancies. Identifiers: Orphanet 71290, MedGen C1832388, MeSH C563324, MONDO:0100083, OMIM 601399.

Allele frequency attached by ClinVar (database versions not stated): gnomAD exomes below 0.00001.

Submissions (3):

ClinGen Myeloid Malignancy Variant Curation Expert Panel
Classification: Likely benign for Hereditary thrombocytopenia and hematologic cancer predisposition syndrome. Last evaluated: 2024-09-18. Review status: reviewed by expert panel. Criteria: ClinGen MyeloMalig ACMG Specifications v2. Collection method: curation. Allele origin: germline. Inheritance: Autosomal dominant inheritance.
Comment: NM_001754.5(RUNX1):c.757C>T (p.Leu253=) is a synonymous variant which has a SpliceAI score ≤ 0.20 (0.01) (BP4). This variant has a SpliceAI score ≤ 0.20 (0.01) and evolutionary conservation algorithms predict the site as being not conserved (PhyloP score ≤ 2.0 (1.67) (BP7). This variant is completely absent from all population databases with at least 20x coverage for RUNX1 (PM2_Supporting). In summary, this variant meets criteria to be classified as likely benign. ACMG/AMP criteria applied, as specified by the Myeloid Malignancy Variant Curation Expert Panel for RUNX1: BP4, BP7, PM2_supporting.

Ambry Genetics
Classification: Likely benign for Inborn genetic diseases. Last evaluated: 2025-03-10. Review status: criteria provided, single submitter. Criteria: Ambry Variant Classification Scheme 2023. Collection method: clinical testing. Allele origin: germline. Not counted in ClinVar's aggregate classification.

Labcorp Genetics (formerly Invitae), Labcorp
Classification: Likely benign for Hereditary thrombocytopenia and hematological cancer predisposition syndrome associated with RUNX1. Last evaluated: 2023-05-11. Review status: criteria provided, single submitter. Criteria: Invitae Variant Classification Sherloc (09022015). Collection method: clinical testing. Allele origin: germline. Not counted in ClinVar's aggregate classification.

NM_001754.5(RUNX1):c.757C>T (p.Leu253=)

Gene: RUNX1 (RUNX family transcription factor 1; minus strand). Cytogenetic location: 21q22.12.
Variant type: single nucleotide variant.
Coding change: c.757C>T on transcript NM_001754.5 (MANE Select); coding-DNA position 757, C replaced by T.
Protein change: p.Leu253=; no amino-acid change (leucine 253 retained).
Molecular consequence: synonymous variant.
Genome position (GRCh38, 1-based): chr21:34,834,458, G>A on the plus strand (C>T on the coding strand, the complement: RUNX1 is on the minus strand). VCF-style: chr21-34834458-G-A. GRCh37 (hg19) VCF-style: chr21-36206755-G-A.
Other names: NM_001754.5(RUNX1):c.757C>T; p.Leu253=; c.676C>T, p.Leu226= (NM_001001890.3, NM_001122607.2).
Identifiers: ClinVar variation 2695394 (VCV002695394.5), dbSNP rs1273083764, ClinGen allele CA512318581.